The following is an entry in ClinVar:

NM_201253.3(CRB1):c.455G>A (p.Cys152Tyr)

Gene: CRB1 (crumbs cell polarity complex component 1; plus strand). Cytogenetic location: 1q31.3.
Variant type: single nucleotide variant.
Coding change: c.455G>A on transcript NM_201253.3 (MANE Select); coding-DNA position 455, G replaced by A.
Protein change: p.Cys152Tyr; replaces cysteine 152 with tyrosine.
Molecular consequence: missense variant. On other transcripts: non-coding transcript variant (2).
Genome position (GRCh38, 1-based): chr1:197,328,806, G>A. VCF-style: chr1-197328806-G-A. GRCh37 (hg19) VCF-style: chr1-197297936-G-A.
Other names: c.455G>A, p.Cys152Tyr (NM_001193640.2, NM_001257966.2); c.248G>A, p.Cys83Tyr (NM_001257965.2); short protein forms C83Y, C152Y.
Identifiers: ClinVar variation 812296 (VCV000812296.15), dbSNP rs1571848744, ClinGen allele CA344085812.

ClinVar aggregate classification (germline): Pathogenic/Likely pathogenic. Review status: criteria provided, multiple submitters, no conflicts (2 of 4 stars). 7 submissions from 6 submitters: Pathogenic (2); Likely pathogenic (4). 1 of the submissions does not count toward it. Last evaluated 2025-09-05.

Conditions:
CRB1-related disorder. Also called: CRB1-related condition; CRB1-related disorders.
Leber congenital amaurosis (LCA). Also called: Leber's amaurosis. Identifiers: Orphanet 65, MedGen C0339527, MeSH D057130, MONDO:0018998.
Retinitis pigmentosa 12 (RP12). Also called: RP WITH OR WITHOUT PPRPE; RP WITH OR WITHOUT PRESERVED PARAARTERIOLE RETINAL PIGMENT EPITHELIUM; RETINITIS PIGMENTOSA WITH OR WITHOUT PARAARTERIOLAR PRESERVATION OF RETINAL PIGMENT EPITHELIUM. Identifiers: Orphanet 791, MedGen C1838647, MONDO:0010818, OMIM 600105.
Leber congenital amaurosis 8 (LCA8). Identifiers: Orphanet 65, MedGen C3151202, MONDO:0013453, OMIM 613835.
Retinal disorder. Also called: Retinal disorders; Retinopathy; Retinopathies; Retinal Diseases. Identifiers: MedGen C0035309, MONDO:0005283, HP:0000488.

Allele frequency attached by ClinVar (database versions not stated): gnomAD exomes below 0.00001.
gnomAD v4.1: 2 of 1,613,996 alleles (0.00012%); highest among the groups gnomAD compares: Non-Finnish European, 0.00017%; no homozygotes.

Submissions (7):

Genetics Laboratory, Great Ormond Street Hospital NHS Foundation Trust, North Thames Genomic Laboratory Hub
Classification: Likely pathogenic for Retinal disorders. Last evaluated: 2025-09-05. Review status: criteria provided, single submitter. Criteria: ACGS Best Practice Guidelines for Variant Classification in Rare Disease 2024 v1.2. Collection method: clinical testing. Allele origin: germline. Affected: yes.
Comment: PM2_moderate, PP3_supporting, PM3_moderate, PP4_supporting

Natera, Inc.
Classification: Likely pathogenic for Leber congenital amaurosis. Last evaluated: 2024-12-30. Review status: criteria provided, single submitter. Criteria: Natera Variant Classification Schema (03/2026). Collection method: clinical testing. Allele origin: germline.
Comment: The c.455G>A variant in CRB1 is a missense variant predicted to cause substitution of cysteine to tyrosine at amino acid 152. This variant is rare in the general population with a frequency below the threshold expected for the associated phenotype(s). This variant has been observed in one or more individuals affected with the associated recessive disease, as either homozygous or compound heterozygous with a second variant (PMID: 37762234, 25356976, 23449718). Computational prediction algorithms indicate this variant is likely to affect gene or protein function. Given the available evidence, this variant is classified as Likely Pathogenic.

Labcorp Genetics (formerly Invitae), Labcorp
Classification: Pathogenic for Leber congenital amaurosis 8; Retinitis pigmentosa 12. Last evaluated: 2024-03-19. Review status: criteria provided, single submitter. Criteria: Invitae Variant Classification Sherloc (09022015). Collection method: clinical testing. Allele origin: germline.
Comment: This sequence change replaces cysteine, which is neutral and slightly polar, with tyrosine, which is neutral and polar, at codon 152 of the CRB1 protein (p.Cys152Tyr). This variant is not present in population databases (gnomAD no frequency). This missense change has been observed in individual(s) with Leber congenital amaurosis (PMID: 23449718, 25356976). In at least one individual the data is consistent with being in trans (on the opposite chromosome) from a pathogenic variant. ClinVar contains an entry for this variant (Variation ID: 812296). Advanced modeling of protein sequence and biophysical properties (such as structural, functional, and spatial information, amino acid conservation, physicochemical variation, residue mobility, and thermodynamic stability) performed at Invitae indicates that this missense variant is expected to disrupt CRB1 protein function with a positive predictive value of 95%. For these reasons, this variant has been classified as Pathogenic.

Genome-Nilou Lab
Classification: Likely pathogenic for Leber congenital amaurosis 8. Last evaluated: 2023-04-11. Review status: criteria provided, single submitter. Criteria: ACMG Guidelines, 2015. Collection method: clinical testing. Allele origin: germline. Affected: no.

Genome-Nilou Lab
Classification: Likely pathogenic for Retinitis pigmentosa 12. Last evaluated: 2023-04-11. Review status: criteria provided, single submitter. Criteria: ACMG Guidelines, 2015. Collection method: clinical testing. Allele origin: germline. Affected: no.

Blueprint Genetics
Classification: Pathogenic for CRB1-related disorders. Last evaluated: 2018-12-31. Review status: criteria provided, single submitter. Criteria: ACMG Guidelines, 2015. Collection method: clinical testing. Allele origin: germline. Affected: yes. Observed: 1 variant allele.

Sharon lab, Hadassah-Hebrew University Medical Center
Classification: Likely pathogenic for leber congenital amaurosis. Last evaluated: 2019-06-23. Review status: no assertion criteria provided. Collection method: research. Allele origin: inherited. Affected: yes. Not counted in ClinVar's aggregate classification.

Literature cited by the submitters: PubMed 37762234 (cited by Natera, Inc.); PubMed 25356976 (cited by Natera, Inc. and Labcorp Genetics (formerly Invitae), Labcorp); PubMed 23449718 (cited by Natera, Inc. and Labcorp Genetics (formerly Invitae), Labcorp).